The following is an entry in ClinVar:

ClinVar aggregate classification (germline): Uncertain significance (1 of 4 stars; one submission).

Submission:

Labcorp Genetics (formerly Invitae), Labcorp
Classification: Uncertain significance. Last evaluated: 2020-06-28. Review status: criteria provided, single submitter. Criteria: Invitae Variant Classification Sherloc (09022015). Collection method: clinical testing. Allele origin: germline.
Comment: This sequence change replaces lysine with asparagine at codon 128 of the COL4A5 protein (p.Lys128Asn). The lysine residue is moderately conserved and there is a moderate physicochemical difference between lysine and asparagine. This variant also falls at the last nucleotide of exon 6 of the COL4A5 coding sequence, which is part of the consensus splice site for this exon. In summary, the available evidence is currently insufficient to determine the role of this variant in disease. Therefore, it has been classified as a Variant of Uncertain Significance. Nucleotide substitutions within the consensus splice site are a relatively common cause of aberrant splicing (PMID: 17576681, 9536098). Algorithms developed to predict the effect of sequence changes on RNA splicing suggest that this variant may disrupt the consensus splice site, but this prediction has not been confirmed by published transcriptional studies. This variant has been observed in individual(s) with Alport syndrome (Invitae). This variant is not present in population databases (ExAC no frequency).

Literature cited by the submitters: PubMed 17576681; PubMed 9536098.

NM_033380.3(COL4A5):c.384G>C (p.Lys128Asn)

Gene: COL4A5 (collagen type IV alpha 5 chain; plus strand). Cytogenetic location: Xq22.3.
Variant type: single nucleotide variant.
Coding change: c.384G>C on transcript NM_033380.3 (MANE Select); coding-DNA position 384, G replaced by C.
Protein change: p.Lys128Asn; replaces lysine 128 with asparagine.
Molecular consequence: missense variant.
Genome position (GRCh38, 1-based): chrX:108,568,821, G>C. VCF-style: chrX-108568821-G-C. GRCh37 (hg19) VCF-style: chrX-107812051-G-C.
Other names: c.384G>C, p.Lys128Asn (NM_000495.5); short protein forms K128N.
Identifiers: ClinVar variation 1021805 (VCV001021805.8), dbSNP rs1569488434, ClinGen allele CA413918677.